The following is an entry in ClinVar:

ClinVar aggregate classification (germline): Pathogenic/Likely pathogenic. Review status: criteria provided, multiple submitters, no conflicts (2 of 4 stars). 2 submissions from 2 submitters: Pathogenic (1); Likely pathogenic (1). Last evaluated 2023-06-17.

Conditions:
Pontocerebellar hypoplasia type 1A (PCH1A). Also called: PONTOCEREBELLAR HYPOPLASIA WITH ANTERIOR HORN CELL DISEASE; PONTOCEREBELLAR HYPOPLASIA WITH INFANTILE SPINAL MUSCULAR ATROPHY. Identifiers: Orphanet 2254, Orphanet 88616, MedGen C1843504, MONDO:0011866, OMIM 607596.

Allele frequency attached by ClinVar (database versions not stated): gnomAD exomes below 0.00001; TOPMed below 0.00001.
gnomAD v4.1: 1 of 1,612,098 alleles (0.000062%); highest among the groups gnomAD compares: Admixed American, 0.0017%; no homozygotes.

Submissions (2):

Labcorp Genetics (formerly Invitae), Labcorp
Classification: Pathogenic for Pontocerebellar hypoplasia type 1A. Last evaluated: 2023-06-17. Review status: criteria provided, single submitter. Criteria: Invitae Variant Classification Sherloc (09022015). Collection method: clinical testing. Allele origin: germline.
Comment: Algorithms developed to predict the effect of sequence changes on RNA splicing suggest that this variant may create or strengthen a splice site. This sequence change creates a premature translational stop signal (p.Lys356*) in the VRK1 gene. It is expected to result in an absent or disrupted protein product. Loss-of-function variants in VRK1 are known to be pathogenic (PMID: 19646678, 24126608, 27281532). This variant is present in population databases (no rsID available, gnomAD 0.003%). This variant has not been reported in the literature in individuals affected with VRK1-related conditions. ClinVar contains an entry for this variant (Variation ID: 654056). For these reasons, this variant has been classified as Pathogenic.

CENTOGENE GmbH and LLC - Guiding Precision Medicine
Classification: Likely pathogenic for Pontocerebellar hypoplasia type 1A. Last evaluated: 2020-07-14. Review status: criteria provided, single submitter. Criteria: ACMG Guidelines, 2015. Collection method: clinical testing. Allele origin: paternal. Affected: yes.

Literature cited by the submitters: PubMed 19646678 (cited by Labcorp Genetics (formerly Invitae), Labcorp); PubMed 24126608 (cited by Labcorp Genetics (formerly Invitae), Labcorp); PubMed 27281532 (cited by Labcorp Genetics (formerly Invitae), Labcorp).

NM_003384.3(VRK1):c.1066A>T (p.Lys356Ter)

Gene: VRK1 (VRK serine/threonine kinase 1; plus strand). Cytogenetic location: 14q32.2.
Variant type: single nucleotide variant.
Coding change: c.1066A>T on transcript NM_003384.3 (MANE Select); coding-DNA position 1066, A replaced by T.
Protein change: p.Lys356Ter; replaces lysine 356 with a stop codon.
Molecular consequence: nonsense.
Genome position (GRCh38, 1-based): chr14:96,860,733, A>T. VCF-style: chr14-96860733-A-T. GRCh37 (hg19) VCF-style: chr14-97327070-A-T.
Other names: short protein forms K356*.
Identifiers: ClinVar variation 654056 (VCV000654056.11), dbSNP rs1223645705, ClinGen allele CA390932326.